The following is an entry in ClinVar:

ClinVar aggregate classification (germline): Pathogenic/Likely pathogenic. Review status: criteria provided, multiple submitters, no conflicts (2 of 4 stars). 4 submissions from 4 submitters: Pathogenic (3); Likely pathogenic (1). Last evaluated 2024-01-15.

Conditions:
Hereditary cancer-predisposing syndrome. Also called: Hereditary neoplastic syndrome; Hereditary Cancer Syndrome; Tumor predisposition; Neoplastic Syndromes, Hereditary. Identifiers: Orphanet 140162, MedGen C0027672, MeSH D009386, MONDO:0015356.
Familial cancer of breast. Also called: hereditary breast carcinoma; Hereditary breast cancer; BREAST CANCER, FAMILIAL. Identifiers: Orphanet 227535, MedGen C0346153, MONDO:0016419, OMIM 114480. Disease mechanism: loss of function.

Submissions (4):

Labcorp Genetics (formerly Invitae), Labcorp
Classification: Pathogenic for Familial cancer of breast. Last evaluated: 2024-01-15. Review status: criteria provided, single submitter. Criteria: Invitae Variant Classification Sherloc (09022015). Collection method: clinical testing. Allele origin: germline.
Comment: This sequence change creates a premature translational stop signal (p.Asp585Metfs*14) in the PALB2 gene. It is expected to result in an absent or disrupted protein product. Loss-of-function variants in PALB2 are known to be pathogenic (PMID: 17200668, 17200671, 17200672, 24136930, 25099575). This variant is not present in population databases (gnomAD no frequency). This variant has not been reported in the literature in individuals affected with PALB2-related conditions. ClinVar contains an entry for this variant (Variation ID: 439230). For these reasons, this variant has been classified as Pathogenic.

Myriad Genetics, Inc.
Classification: Pathogenic for Familial cancer of breast. Last evaluated: 2023-09-11. Review status: criteria provided, single submitter. Criteria: Myriad Autosomal Dominant, Autosomal Recessive and X-Linked Classification Criteria (2023). Collection method: clinical testing. Allele origin: unknown.
Comment: This variant is considered pathogenic. This variant creates a frameshift predicted to result in premature protein truncation.

Ambry Genetics
Classification: Pathogenic for Hereditary cancer-predisposing syndrome. Last evaluated: 2023-08-15. Review status: criteria provided, single submitter. Criteria: Ambry Variant Classification Scheme 2023. Collection method: clinical testing. Allele origin: germline.
Comment: The c.1753delG pathogenic mutation, located in coding exon 5 of the PALB2 gene, results from a deletion of one nucleotide at nucleotide position 1753, causing a translational frameshift with a predicted alternate stop codon (p.D585Mfs*14). This variant is considered to be rare based on population cohorts in the Genome Aggregation Database (gnomAD). This alteration is expected to result in loss of function by premature protein truncation or nonsense-mediated mRNA decay. As such, this alteration is interpreted as a disease-causing mutation.

Quest Diagnostics Nichols Institute San Juan Capistrano
Classification: Likely pathogenic. Last evaluated: 2017-01-12. Review status: criteria provided, single submitter. Criteria: Quest Diagnostics criteria. Collection method: clinical testing. Allele origin: germline.

Literature cited by the submitters: PubMed 17200668 (cited by Labcorp Genetics (formerly Invitae), Labcorp); PubMed 17200671 (cited by Labcorp Genetics (formerly Invitae), Labcorp); PubMed 17200672 (cited by Labcorp Genetics (formerly Invitae), Labcorp); PubMed 24136930 (cited by Labcorp Genetics (formerly Invitae), Labcorp); PubMed 25099575 (cited by Labcorp Genetics (formerly Invitae), Labcorp).

NM_024675.4(PALB2):c.1753del (p.Asp585fs)

Gene: PALB2 (partner and localizer of BRCA2; minus strand). Cytogenetic location: 16p12.2.
Variant type: Deletion.
Coding change: c.1753del on transcript NM_024675.4 (MANE Select); coding-DNA position 1753, one base deleted (G; older notation c.1753delG).
Protein change: p.Asp585fs; shifts the reading frame from aspartic acid 585.
Molecular consequence: frameshift variant.
Genome position (GRCh38, 1-based): chr16:23,630,401, C deleted on the plus strand (G on the coding strand, the reverse complement: PALB2 is on the minus strand). VCF-style (leftmost placement, unchanged base first): chr16-23630400-TC-T. GRCh37 (hg19) VCF-style: chr16-23641721-TC-T.
Other names: c.1753delG (NM_024675.3).
Identifiers: ClinVar variation 439230 (VCV000439230.14), dbSNP rs1555460670, ClinGen allele CA645509223.